The following is an entry in ClinVar:

ClinVar aggregate classification (germline): Uncertain significance (1 of 4 stars; one submission).

Conditions:
Cardiac malformation, cleft lip/palate, microcephaly, and digital anomalies. Also called: CLEFT PALATE, CARDIAC DEFECTS, AND IMPAIRED INTELLECTUAL DEVELOPMENT. Identifiers: MedGen C1832950, MONDO:0010970, OMIM 600987.

Submission:

Labcorp Genetics (formerly Invitae), Labcorp
Classification: Uncertain significance for Cardiac malformation, cleft lip/palate, microcephaly, and digital anomalies. Last evaluated: 2024-10-03. Review status: criteria provided, single submitter. Criteria: Invitae Variant Classification Sherloc (09022015). Collection method: clinical testing. Allele origin: germline.
Comment: This sequence change replaces glutamine, which is neutral and polar, with glutamic acid, which is acidic and polar, at codon 149 of the MEIS2 protein (p.Gln149Glu). This variant is not present in population databases (gnomAD no frequency). This variant has not been reported in the literature in individuals affected with MEIS2-related conditions. Invitae Evidence Modeling of protein sequence and biophysical properties (such as structural, functional, and spatial information, amino acid conservation, physicochemical variation, residue mobility, and thermodynamic stability) has been performed for this missense variant. However, the output from this modeling did not meet the statistical confidence thresholds required to predict the impact of this variant on MEIS2 protein function. In summary, the available evidence is currently insufficient to determine the role of this variant in disease. Therefore, it has been classified as a Variant of Uncertain Significance.

NM_170675.5(MEIS2):c.445C>G (p.Gln149Glu)

Gene: MEIS2 (Meis homeobox 2; minus strand). Cytogenetic location: 15q14.
Variant type: single nucleotide variant.
Coding change: c.445C>G on transcript NM_170675.5 (MANE Select); coding-DNA position 445, C replaced by G.
Protein change: p.Gln149Glu; replaces glutamine 149 with glutamic acid.
Molecular consequence: missense variant. On other transcripts: non-coding transcript variant (1).
Genome position (GRCh38, 1-based): chr15:37,094,571, G>C on the plus strand (C>G on the coding strand, the complement: MEIS2 is on the minus strand). VCF-style: chr15-37094571-G-C. GRCh37 (hg19) VCF-style: chr15-37386772-G-C.
Other names: c.445C>G, p.Gln149Glu (NM_170676.5, NM_170677.5, NM_001220482.2 and 1 more transcripts); c.406C>G, p.Gln136Glu (NM_172315.3, NM_002399.4); c.181C>G, p.Gln61Glu (NM_172316.3); short protein forms Q136E, Q61E, Q149E.
Identifiers: ClinVar variation 3665517 (VCV003665517.2).